The following is an entry in ClinVar:

NM_001692.4(ATP6V1B1):c.1004del (p.Val335fs)

Gene: ATP6V1B1 (ATPase H+ transporting V1 subunit B1; plus strand). Cytogenetic location: 2p13.3.
Variant type: Deletion.
Coding change: c.1004del on transcript NM_001692.4 (MANE Select); coding-DNA position 1004, one base deleted (T; older notation c.1004delT).
Protein change: p.Val335fs; shifts the reading frame from valine 335.
Molecular consequence: frameshift variant.
Genome position (GRCh38, 1-based): chr2:70,963,256, T deleted. VCF-style (leftmost placement, unchanged base first): chr2-70963255-GT-G. GRCh37 (hg19) VCF-style: chr2-71190385-GT-G.
Other names: short protein forms V335fs.
Identifiers: ClinVar variation 958554 (VCV000958554.9), dbSNP rs1680634325, ClinGen allele CA1139657089.

ClinVar aggregate classification (germline): Pathogenic/Likely pathogenic. Review status: criteria provided, multiple submitters, no conflicts (2 of 4 stars). 2 submissions from 2 submitters: Pathogenic (1); Likely pathogenic (1). Last evaluated 2023-08-02.

Conditions:
Renal tubular acidosis with progressive nerve deafness. Also called: renal tubular acidosis, distal, 2, with progressive sensorineural hearing loss; RENAL TUBULAR ACIDOSIS, AUTOSOMAL RECESSIVE, WITH PROGRESSIVE NERVE DEAFNESS; Distal Renal Tubular Acidosis with Progressive Sensorineural Deafness; RTA WITH PROGRESSIVE NERVE DEAFNESS. Identifiers: MedGen C0403554, MONDO:0009968, OMIM 267300.

Allele frequency attached by ClinVar (database versions not stated): gnomAD exomes 0.00001.

Submissions (2):

Labcorp Genetics (formerly Invitae), Labcorp
Classification: Pathogenic. Last evaluated: 2023-08-02. Review status: criteria provided, single submitter. Criteria: Invitae Variant Classification Sherloc (09022015). Collection method: clinical testing. Allele origin: germline.
Comment: For these reasons, this variant has been classified as Pathogenic. Algorithms developed to predict the effect of sequence changes on RNA splicing suggest that this variant may disrupt the consensus splice site. ClinVar contains an entry for this variant (Variation ID: 958554). This variant has not been reported in the literature in individuals affected with ATP6V1B1-related conditions. This variant is not present in population databases (gnomAD no frequency). This sequence change creates a premature translational stop signal (p.Val335Glyfs*28) in the ATP6V1B1 gene. It is expected to result in an absent or disrupted protein product. Loss-of-function variants in ATP6V1B1 are known to be pathogenic (PMID: 9916796, 18368028).

Fulgent Genetics
Classification: Likely pathogenic for Renal tubular acidosis with progressive nerve deafness. Last evaluated: 2021-08-04. Review status: criteria provided, single submitter. Criteria: ACMG Guidelines, 2015. Collection method: clinical testing. Allele origin: unknown.

Literature cited by the submitters: PubMed 9916796 (cited by Labcorp Genetics (formerly Invitae), Labcorp); PubMed 18368028 (cited by Labcorp Genetics (formerly Invitae), Labcorp).